The following is an entry in ClinVar:

NM_032551.5(KISS1R):c.615A>C (p.Ala205=)

Gene: KISS1R (KISS1 receptor; plus strand). Cytogenetic location: 19p13.3.
Variant type: single nucleotide variant.
Coding change: c.615A>C on transcript NM_032551.5 (MANE Select); coding-DNA position 615, A replaced by C.
Protein change: p.Ala205=; no amino-acid change (alanine 205 retained).
Molecular consequence: synonymous variant.
Genome position (GRCh38, 1-based): chr19:919,983, A>C. VCF-style: chr19-919983-A-C. GRCh37 (hg19) VCF-style: chr19-919983-A-C.
Identifiers: ClinVar variation 516590 (VCV000516590.12), dbSNP rs8111938, ClinGen allele CA9028813.

ClinVar aggregate classification (germline): Benign. Review status: criteria provided, multiple submitters, no conflicts (2 of 4 stars). 3 submissions from 3 submitters: Benign (3). Last evaluated 2025-09-06.

Allele frequency attached by ClinVar (database versions not stated): gnomAD exomes 0.00192; ExAC 0.00346; ESP Exome Variant Server 0.00633; gnomAD 0.01094 and 0.01162; TOPMed 0.01190; 1000 Genomes Project 30x 0.01437; 1000 Genomes Project 0.01438.
gnomAD v4.1: 3,163 of 1,565,928 alleles (0.2%); highest among the groups gnomAD compares: African/African-American, 3.7%; 58 homozygotes.

Submissions (3):

Labcorp Genetics (formerly Invitae), Labcorp
Classification: Benign. Last evaluated: 2025-09-06. Review status: criteria provided, single submitter. Criteria: Invitae Variant Classification Sherloc (09022015). Collection method: clinical testing. Allele origin: germline.

GeneDx
Classification: Benign. Last evaluated: 2017-04-02. Review status: criteria provided, single submitter. Criteria: GeneDx Variant Classification (06012015). Collection method: clinical testing. Allele origin: germline. Affected: yes.
Comment: This variant is considered likely benign or benign based on one or more of the following criteria: it is a conservative change, it occurs at a poorly conserved position in the protein, it is predicted to be benign by multiple in silico algorithms, and/or has population frequency not consistent with disease.

Breakthrough Genomics
Classification: Benign. Review status: criteria provided, single submitter. Criteria: ACMG Guidelines, 2015. Collection method: not provided. Allele origin: germline. Inheritance: Autosomal recessive inheritance. Affected: yes.